The following is an entry in ClinVar:

ClinVar aggregate classification (germline): Likely benign. Review status: criteria provided, multiple submitters, no conflicts (2 of 4 stars). 3 submissions from 3 submitters: Likely benign (2). 1 of the submissions does not count toward it. Last evaluated 2023-01-01.

Conditions:
PPP2R5D-related disorder. Also called: PPP2R5D-related condition.

Allele frequency attached by ClinVar (database versions not stated): gnomAD exomes below 0.00001; gnomAD 0.00001; TOPMed 0.00001.
gnomAD v4.1: 3 of 1,613,598 alleles (0.00019%); highest among the groups gnomAD compares: Non-Finnish European, 0.00017%; no homozygotes.

Submissions (3):

CeGaT Center for Human Genetics Tuebingen
Classification: Likely benign. Last evaluated: 2023-01-01. Review status: criteria provided, single submitter. Criteria: CeGaT Center For Human Genetics Tuebingen Variant Classification Criteria Version 2. Collection method: clinical testing. Allele origin: germline. Affected: yes. Observed: 1 variant allele.
Comment: PPP2R5D: BP4, BP7

Labcorp Genetics (formerly Invitae), Labcorp
Classification: Likely benign. Last evaluated: 2022-11-01. Review status: criteria provided, single submitter. Criteria: Invitae Variant Classification Sherloc (09022015). Collection method: clinical testing. Allele origin: germline.

PreventionGenetics, part of Exact Sciences
Classification: Likely benign for PPP2R5D-related condition. Last evaluated: 2024-01-05. Review status: no assertion criteria provided. Collection method: clinical testing. Allele origin: germline. Not counted in ClinVar's aggregate classification.
Comment: This variant is classified as likely benign based on ACMG/AMP sequence variant interpretation guidelines (Richards et al. 2015 PMID: 25741868, with internal and published modifications).

NM_006245.4(PPP2R5D):c.1092A>G (p.Gly364=)

Gene: PPP2R5D (protein phosphatase 2 regulatory subunit B'delta; plus strand). Cytogenetic location: 6p21.1.
Variant type: single nucleotide variant.
Coding change: c.1092A>G on transcript NM_006245.4 (MANE Select); coding-DNA position 1092, A replaced by G.
Protein change: p.Gly364=; no amino-acid change (glycine 364 retained).
Molecular consequence: synonymous variant.
Genome position (GRCh38, 1-based): chr6:43,009,068, A>G. VCF-style: chr6-43009068-A-G. GRCh37 (hg19) VCF-style: chr6-42976806-A-G.
Other names: c.639A>G, p.Gly213= (NM_001270476.2); c.996A>G, p.Gly332= (NM_180976.3); c.774A>G, p.Gly258= (NM_180977.3); c.1092A>G (NM_006245.3).
Identifiers: ClinVar variation 2656567 (VCV002656567.28), dbSNP rs1762233713, ClinGen allele CA450367362.